The following is an entry in ClinVar:

ClinVar aggregate classification (germline): Uncertain significance (1 of 4 stars; one submission).

Allele frequency attached by ClinVar (database versions not stated): gnomAD exomes 0.00001.
gnomAD v4.1: 11 of 1,608,122 alleles (0.00068%); highest among the groups gnomAD compares: Non-Finnish European, 0.00094%; no homozygotes.

Submission:

Labcorp Genetics (formerly Invitae), Labcorp
Classification: Uncertain significance. Last evaluated: 2024-01-04. Review status: criteria provided, single submitter. Criteria: Invitae Variant Classification Sherloc (09022015). Collection method: clinical testing. Allele origin: germline.
Comment: This sequence change replaces histidine, which is basic and polar, with tyrosine, which is neutral and polar, at codon 521 of the RASA2 protein (p.His521Tyr). This variant is not present in population databases (gnomAD no frequency). This variant has not been reported in the literature in individuals affected with RASA2-related conditions. Advanced modeling of protein sequence and biophysical properties (such as structural, functional, and spatial information, amino acid conservation, physicochemical variation, residue mobility, and thermodynamic stability) performed at Invitae indicates that this missense variant is expected to disrupt RASA2 protein function with a positive predictive value of 80%. In summary, the available evidence is currently insufficient to determine the role of this variant in disease. Therefore, it has been classified as a Variant of Uncertain Significance.

NM_006506.5(RASA2):c.1561C>T (p.His521Tyr)

Gene: RASA2 (RAS p21 protein activator 2; plus strand). Cytogenetic location: 3q23.
Variant type: single nucleotide variant.
Coding change: c.1561C>T on transcript NM_006506.5 (MANE Select); coding-DNA position 1561, C replaced by T.
Protein change: p.His521Tyr; replaces histidine 521 with tyrosine.
Molecular consequence: missense variant.
Genome position (GRCh38, 1-based): chr3:141,577,077, C>T. VCF-style: chr3-141577077-C-T. GRCh37 (hg19) VCF-style: chr3-141295919-C-T.
Other names: c.1561C>T, p.His521Tyr (NM_001303245.3, NM_001303246.3); short protein forms H521Y.
Identifiers: ClinVar variation 2965687 (VCV002965687.3), dbSNP rs2478738318, ClinGen allele CA354779065.